The following is an entry in ClinVar:

NC_000017.10:g.(?_17127226)_(17127467_?)del

Gene: FLCN (folliculin; minus strand). Cytogenetic location: 17p11.2.
Variant type: Deletion.
Identifiers: ClinVar variation 2427323 (VCV002427323.5).

ClinVar aggregate classification (germline): Pathogenic (1 of 4 stars; one submission).

Conditions:
Birt-Hogg-Dube syndrome. Also called: Birt Hogg Dubé syndrome. Identifiers: Orphanet 122, MedGen C0346010, MONDO:0800444.

Submission:

Labcorp Genetics (formerly Invitae), Labcorp
Classification: Pathogenic for Birt-Hogg-Dube syndrome. Last evaluated: 2022-09-06. Review status: criteria provided, single submitter. Criteria: Invitae Variant Classification Sherloc (09022015). Collection method: clinical testing. Allele origin: germline.
Comment: This variant is a gross deletion of the genomic region encompassing exon(s) 6 of the FLCN gene. This variant would be expected to be in-frame, preserving the integrity of the reading frame. This variant has not been reported in the literature in individuals affected with FLCN-related conditions. This variant disrupts a region of the FLCN protein in which other variant(s) (p.Phe157del) have been determined to be pathogenic (PMID: 18505456, 21538689, 22571569, 27906882, 28724667). This suggests that this is a clinically significant region of the protein, and that variants that disrupt it are likely to be disease-causing. For these reasons, this variant has been classified as Pathogenic.

Literature cited by the submitters: PubMed 18505456; PubMed 21538689; PubMed 22571569; PubMed 27906882; PubMed 28724667.